The following is an entry in ClinVar:

ClinVar aggregate classification (germline): Likely benign. Review status: criteria provided, multiple submitters, no conflicts (2 of 4 stars). 3 submissions from 3 submitters: Likely benign (2). 1 of the submissions does not count toward it. Last evaluated 2026-01-01.

Conditions:
CUX1-related disorder. Also called: CUX1-related condition.

Allele frequency attached by ClinVar (database versions not stated): TOPMed below 0.00001; ExAC 0.00001; gnomAD 0.00001; gnomAD exomes 0.00001.
gnomAD v4.1: 24 of 1,613,864 alleles (0.0015%); highest among the groups gnomAD compares: African/African-American, 0.019%; 1 homozygote.

Submissions (3):

CeGaT Center for Human Genetics Tuebingen
Classification: Likely benign. Last evaluated: 2026-01-01. Review status: criteria provided, single submitter. Criteria: CeGaT Center For Human Genetics Tuebingen Variant Classification Criteria Version 2. Collection method: clinical testing. Allele origin: germline. Affected: yes. Observed: 2 variant alleles.
Comment: CUX1: BP4, BP7

Blueprint Genetics
Classification: Likely benign. Last evaluated: 2024-09-23. Review status: criteria provided, single submitter. Criteria: ACMG Guidelines, 2015. Collection method: clinical testing. Allele origin: germline.

PreventionGenetics, part of Exact Sciences
Classification: Likely benign for CUX1-related condition. Last evaluated: 2023-03-28. Review status: no assertion criteria provided. Collection method: clinical testing. Allele origin: germline. Not counted in ClinVar's aggregate classification.
Comment: This variant is classified as likely benign based on ACMG/AMP sequence variant interpretation guidelines (Richards et al. 2015 PMID: 25741868, with internal and published modifications).

NM_181552.4(CUX1):c.2715A>C (p.Thr905=)

Gene: CUX1 (cut like homeobox 1; plus strand). Cytogenetic location: 7q22.1.
Variant type: single nucleotide variant.
Coding change: c.2715A>C on transcript NM_181552.4 (MANE Select); coding-DNA position 2715, A replaced by C.
Protein change: p.Thr905=; no amino-acid change (threonine 905 retained).
Molecular consequence: synonymous variant. On other transcripts: intron variant (5).
Genome position (GRCh38, 1-based): chr7:102,202,012, A>C. VCF-style: chr7-102202012-A-C. GRCh37 (hg19) VCF-style: chr7-101845292-A-C.
Other names: c.1249+6409A>C (NM_181500.4); c.1117+6409A>C (NM_001202545.3); c.1207+6409A>C (NM_001202544.3); c.1138+6409A>C (NM_001202546.3); c.2748A>C, p.Thr916= (NM_001202543.2); c.1255+6409A>C (NM_001913.5); c.2748A>C (NM_001202543.1).
Identifiers: ClinVar variation 3025840 (VCV003025840.24), dbSNP rs373730314, ClinGen allele CA4411135.